The following is an entry in ClinVar:

NM_001370259.2(MEN1):c.1350G>C (p.Gln450His)

Gene: MEN1 (menin 1; minus strand). Cytogenetic location: 11q13.1.
Variant type: single nucleotide variant.
Coding change: c.1350G>C on transcript NM_001370259.2 (MANE Select); coding-DNA position 1350, G replaced by C.
Protein change: p.Gln450His; replaces glutamine 450 with histidine.
Molecular consequence: missense variant.
Genome position (GRCh38, 1-based): chr11:64,805,034, C>G on the plus strand (G>C on the coding strand, the complement: MEN1 is on the minus strand). VCF-style: chr11-64805034-C-G. GRCh37 (hg19) VCF-style: chr11-64572506-C-G.
Other names: c.1245G>C, p.Gln415His (NM_001370262.2, NM_001370263.2); c.1350G>C, p.Gln450His (NM_130799.3, NM_001370260.2, NM_001370261.2); c.1365G>C, p.Gln455His (NM_130800.3, NM_130801.3, NM_130802.3 and 3 more transcripts); c.1476G>C, p.Gln492His (NM_001370251.2); short protein forms Q415H, Q450H, Q492H, Q455H.
Identifiers: ClinVar variation 818932 (VCV000818932.12), dbSNP rs1592636161, ClinGen allele CA381180010.

ClinVar aggregate classification (germline): Likely pathogenic. Review status: criteria provided, multiple submitters, no conflicts (2 of 4 stars). 3 submissions from 3 submitters: Likely pathogenic (3). Last evaluated 2025-03-02.

Conditions:
Multiple endocrine neoplasia, type 1 (MEN1). Also called: MEN I; WERMER SYNDROME; Endocrine adenomatosis multiple; MEN 1; MEA I. Identifiers: Orphanet 652, MedGen C0025267, MeSH D018761, MONDO:0007540, OMIM 131100.
Hereditary cancer-predisposing syndrome. Also called: Hereditary Cancer Syndrome; Neoplastic Syndromes, Hereditary; Hereditary neoplastic syndrome; Tumor predisposition. Identifiers: Orphanet 140162, MedGen C0027672, MeSH D009386, MONDO:0015356.

Submissions (3):

Labcorp Genetics (formerly Invitae), Labcorp
Classification: Likely pathogenic for Multiple endocrine neoplasia, type 1. Last evaluated: 2025-03-02. Review status: criteria provided, single submitter. Criteria: Invitae Variant Classification Sherloc (09022015). Collection method: clinical testing. Allele origin: germline.
Comment: This sequence change affects codon 450 of the MEN1 mRNA. It is a 'silent' change, meaning that it does not change the encoded amino acid sequence of the MEN1 protein. This variant also falls at the last nucleotide of exon 9, which is part of the consensus splice site for this exon. This variant is not present in population databases (gnomAD no frequency). This variant has been observed in individuals with MEN1-related tumors (internal data). ClinVar contains an entry for this variant (Variation ID: 818932). An algorithm developed to predict the effect of missense changes on protein structure and function (PolyPhen-2) suggests that this variant is likely to be disruptive. Variants that disrupt the consensus splice site are a relatively common cause of aberrant splicing (PMID: 17576681, 9536098). Algorithms developed to predict the effect of sequence changes on RNA splicing suggest that this variant may disrupt the consensus splice site. In summary, the currently available evidence indicates that the variant is pathogenic, but additional data are needed to prove that conclusively. Therefore, this variant has been classified as Likely Pathogenic.

Women's Health and Genetics/Laboratory Corporation of America, LabCorp
Classification: Likely pathogenic for Multiple endocrine neoplasia, type 1. Last evaluated: 2024-12-19. Review status: criteria provided, single submitter. Criteria: LabCorp Variant Classification Summary - May 2015. Collection method: clinical testing. Allele origin: germline.
Comment: Variant summary: MEN1 c.1350G>C (p.Gln450His; also described as p.Gln455His in the literature) results in a non-conservative amino acid change in the encoded protein sequence. Five of five in-silico tools predict a damaging effect of the variant on protein function. Several computational tools predict a significant impact on normal splicing: Three predict the variant weakens a 5' donor site. One predicts the variant abolishes a 5' splicing donor site. However, these predictions have yet to be confirmed by functional studies. The variant was absent in 250588 control chromosomes (gnomAD). c.1350G>C has been reported in the literature in individuals affected with Multiple Endocrine Neoplasia Type 1 (example: Pieterman_2017, Internal data). These data indicate that the variant is likely to be associated with disease. To our knowledge, no experimental evidence demonstrating an impact on protein function has been reported. The following publications has been ascertained in the context of this evaluation (PMID: 28938468). ClinVar contains an entry for this variant (Variation ID: 818932). Based on the evidence outlined above, the variant was classified as likely pathogenic.

Ambry Genetics
Classification: Likely pathogenic for Hereditary cancer-predisposing syndrome. Last evaluated: 2021-08-25. Review status: criteria provided, single submitter. Criteria: Ambry Variant Classification Scheme 2023. Collection method: clinical testing. Allele origin: germline.
Comment: The c.1350G>C variant (also known as p.Q450H), located in coding exon 8 of the MEN1 gene, results from a G to C substitution at nucleotide position 1350. The amino acid change results in glutamine to histidine at codon 450, an amino acid with highly similar properties. However, this change occurs in the last base pair of coding exon 8, which makes it likely to have some effect on normal mRNA splicing. This nucleotide position is highly conserved in available vertebrate species. In silico splice site analysis predicts that this alteration will weaken the native splice donor site and will result in the creation or strengthening of a novel splice donor site. RNA studies have demonstrated that this alteration results in abnormal splicing in the set of samples tested (Ambry internal data). Based on the majority of available evidence to date, this variant is likely to be pathogenic.

Literature cited by the submitters: PubMed 17576681 (cited by Labcorp Genetics (formerly Invitae), Labcorp); PubMed 9536098 (cited by Labcorp Genetics (formerly Invitae), Labcorp); PubMed 28938468 (cited by Women's Health and Genetics/Laboratory Corporation of America, LabCorp).